The following is an entry in ClinVar:

ClinVar aggregate classification (germline): Uncertain significance (1 of 4 stars; one submission).

Submission:

GeneDx
Classification: Uncertain significance. Last evaluated: 2024-12-02. Review status: criteria provided, single submitter. Criteria: GeneDx Variant Classification Process June 2021. Collection method: clinical testing. Allele origin: germline.
Comment: Not observed at significant frequency in large population cohorts (gnomAD); Intronic +5 splice site variant in a gene for which loss of function is a known mechanism of disease, and both splice predictors and evolutionary conservation support a deleterious effect, although in the absence of functional evidence the actual effect of this sequence change is unknown.; Has not been previously published as pathogenic or benign to our knowledge

NM_018706.7(DHTKD1):c.2319+2_2319+3insC

Gene: DHTKD1 (dehydrogenase E1 and transketolase domain containing 1; plus strand). Cytogenetic location: 10p14.
Variant type: Insertion.
Coding change: c.2319+2_2319+3insC on transcript NM_018706.7 (MANE Select); the canonical splice donor site of the intron after coding-DNA position 2319 through 3 bases into the intron after coding-DNA position 2319, C inserted.
Molecular consequence: intron variant.
Genome position: GRCh38 VCF-style: chr10-12113066-T-TC. GRCh37 (hg19) VCF-style: chr10-12155065-T-TC.
Identifiers: ClinVar variation 2504998 (VCV002504998.2), dbSNP rs2491513974, ClinGen allele CA2580615429.